The following is an entry in ClinVar:

NM_001458.5(FLNC):c.3096G>C (p.Glu1032Asp)

Gene: FLNC (filamin C; plus strand). Cytogenetic location: 7q32.1.
Variant type: single nucleotide variant.
Coding change: c.3096G>C on transcript NM_001458.5 (MANE Select); coding-DNA position 3096, G replaced by C.
Protein change: p.Glu1032Asp; replaces glutamic acid 1032 with aspartic acid.
Molecular consequence: missense variant.
Genome position (GRCh38, 1-based): chr7:128,844,170, G>C. VCF-style: chr7-128844170-G-C. GRCh37 (hg19) VCF-style: chr7-128484224-G-C.
Other names: c.3096G>C, p.Glu1032Asp (NM_001127487.2); short protein forms E1032D.
Identifiers: ClinVar variation 1991984 (VCV001991984.6), dbSNP rs1026466177, ClinGen allele CA166177778.

ClinVar aggregate classification (germline): Uncertain significance. Review status: criteria provided, multiple submitters, no conflicts (2 of 4 stars). 2 submissions from 2 submitters: Uncertain significance (2). Last evaluated 2026-02-03.

Conditions:
Myofibrillar myopathy 5. Also called: FILAMINOPATHY, AUTOSOMAL DOMINANT; Filaminopathy (type). Identifiers: Orphanet 171445, MedGen C1836050, MONDO:0012289, OMIM 609524.
Distal myopathy with posterior leg and anterior hand involvement. Also called: WILLIAMS DISTAL MYOPATHY. Identifiers: Orphanet 63273, MedGen C3279722, MONDO:0013550, OMIM 614065.
Hypertrophic cardiomyopathy 26. Also called: Cardiomyopathy, familial hypertrophic, 26. Identifiers: Orphanet 75249, MedGen C4310749, MONDO:0014883, OMIM 617047.
Cardiovascular phenotype. Identifiers: MedGen CN230736.

Allele frequency attached by ClinVar (database versions not stated): gnomAD 0.00001; TOPMed 0.00001.
gnomAD v4.1: 8 of 1,613,782 alleles (0.0005%); highest among the groups gnomAD compares: Non-Finnish European, 0.00068%; no homozygotes.

Submissions (2):

Labcorp Genetics (formerly Invitae), Labcorp
Classification: Uncertain significance for Distal myopathy with posterior leg and anterior hand involvement; Myofibrillar myopathy 5; Hypertrophic cardiomyopathy 26. Last evaluated: 2026-02-03. Review status: criteria provided, single submitter. Criteria: Invitae Variant Classification Sherloc (09022015). Collection method: clinical testing. Allele origin: germline.
Comment: This sequence change replaces glutamic acid, which is acidic and polar, with aspartic acid, which is acidic and polar, at codon 1032 of the FLNC protein (p.Glu1032Asp). This variant is present in population databases (no rsID available, gnomAD 0.002%). This variant has not been reported in the literature in individuals affected with FLNC-related conditions. ClinVar contains an entry for this variant (Variation ID: 1991984). Invitae Evidence Modeling of protein sequence and biophysical properties (such as structural, functional, and spatial information, amino acid conservation, physicochemical variation, residue mobility, and thermodynamic stability) has been performed for this missense variant. However, the output from this modeling did not meet the statistical confidence thresholds required to predict the impact of this variant on FLNC protein function. In summary, the available evidence is currently insufficient to determine the role of this variant in disease. Therefore, it has been classified as a Variant of Uncertain Significance.

Ambry Genetics
Classification: Uncertain significance for Cardiovascular phenotype. Last evaluated: 2023-06-01. Review status: criteria provided, single submitter. Criteria: Ambry Variant Classification Scheme 2023. Collection method: clinical testing. Allele origin: germline.
Comment: The p.E1032D variant (also known as c.3096G>C), located in coding exon 20 of the FLNC gene, results from a G to C substitution at nucleotide position 3096. The glutamic acid at codon 1032 is replaced by aspartic acid, an amino acid with highly similar properties. This amino acid position is conserved. In addition, the in silico prediction for this alteration is inconclusive. Since supporting evidence is limited at this time, the clinical significance of this alteration remains unclear.